The following is an entry in ClinVar:

NM_001039111.3(TRIM71):c.1613C>G (p.Ala538Gly)

Gene: TRIM71 (tripartite motif containing 71; plus strand). Cytogenetic location: 3p22.3.
Variant type: single nucleotide variant.
Coding change: c.1613C>G on transcript NM_001039111.3 (MANE Select); coding-DNA position 1613, C replaced by G.
Protein change: p.Ala538Gly; replaces alanine 538 with glycine.
Molecular consequence: missense variant.
Genome position (GRCh38, 1-based): chr3:32,890,817, C>G. VCF-style: chr3-32890817-C-G. GRCh37 (hg19) VCF-style: chr3-32932309-C-G.
Other names: short protein forms A538G.
Identifiers: ClinVar variation 996348 (VCV000996348.3), dbSNP rs1697016744, ClinGen allele CA351987866.

ClinVar aggregate classification (germline): Uncertain significance (1 of 4 stars; one submission).

Conditions:
Non-obstructive azoospermia. Identifiers: MedGen C4021107, HP:0011961.

Submission:

Institute of Reproductive Genetics, University of Münster
Classification: Uncertain significance for Non-obstructive azoospermia. Last evaluated: 2021-03-01. Review status: criteria provided, single submitter. Criteria: ACMG Guidelines, 2015. Collection method: research. Allele origin: unknown. Inheritance: Autosomal unknown. Affected: yes. Observed: 1 variant allele, 1 heterozygote.
Comment: PM1, PM2